The following is an entry in ClinVar:

ClinVar aggregate classification (germline): Benign (1 of 4 stars; one submission).

Allele frequency attached by ClinVar (database versions not stated): TOPMed 0.07966; 1000 Genomes Project 30x 0.08760; 1000 Genomes Project 0.09165; gnomAD 0.09253 and 0.09595.

Submission:

GeneDx
Classification: Benign. Last evaluated: 2018-06-14. Review status: criteria provided, single submitter. Criteria: GeneDx Variant Classification (06012015). Collection method: clinical testing. Allele origin: germline. Affected: yes.
Comment: This variant is considered likely benign or benign based on one or more of the following criteria: it is a conservative change, it occurs at a poorly conserved position in the protein, it is predicted to be benign by multiple in silico algorithms, and/or has population frequency not consistent with disease.

NM_003060.4(SLC22A5):c.951+222C>T

Gene: SLC22A5 (solute carrier family 22 member 5; plus strand). Cytogenetic location: 5q31.1.
Variant type: single nucleotide variant.
Coding change: c.951+222C>T on transcript NM_003060.4 (MANE Select); 222 bases into the intron after coding-DNA position 951, C replaced by T.
Molecular consequence: intron variant.
Genome position (GRCh38, 1-based): chr5:132,387,373, C>T. VCF-style: chr5-132387373-C-T. GRCh37 (hg19) VCF-style: chr5-131723065-C-T.
Other names: c.1023+222C>T (NM_001308122.2).
Identifiers: ClinVar variation 670573 (VCV000670573.1), dbSNP rs17689550, ClinGen allele CA12150432.